The following is an entry in ClinVar:

NM_000535.5(PMS2):c.-93G>A

Gene: PMS2 (PMS1 homolog 2, mismatch repair system component; minus strand). Cytogenetic location: 7p22.1.
Variant type: single nucleotide variant.
Coding change: c.-93G>A on transcript NM_000535.5; 93 bases upstream of the start codon, G replaced by A.
Genome position (GRCh38, 1-based): chr7:6,009,112, C>T on the plus strand (G>A on the coding strand, the complement: PMS2 is on the minus strand). VCF-style: chr7-6009112-C-T. GRCh37 (hg19) VCF-style: chr7-6048743-C-T.
Identifiers: ClinVar variation 91286 (VCV000091286.5), dbSNP rs6976537, ClinGen allele CA331730.

ClinVar aggregate classification (germline): Benign (3 of 4 stars; one submission).

Conditions:
Lynch syndrome. Identifiers: Orphanet 144, MedGen C4552100, MONDO:0005835. Disease mechanism: loss of function.

Submission:

International Society for Gastrointestinal Hereditary Tumours (InSiGHT)
Classification: Benign for Lynch Syndrome. Last evaluated: 2013-09-05. Review status: reviewed by expert panel. Criteria: Guidelines v1.9. Collection method: research. Allele origin: germline.
Comment: MAF >1%

Classified with v1.9 guidelines
ClinVar note: Converted during submission from no known pathogenicity to Benign.